The following is an entry in ClinVar:

ClinVar aggregate classification (germline): Benign. Review status: criteria provided, multiple submitters, no conflicts (2 of 4 stars). 3 submissions from 3 submitters: Benign (2). 1 of the submissions does not count toward it. Last evaluated 2026-02-04.

Conditions:
LRRK1-related disorder. Also called: LRRK1-related condition.

Allele frequency attached by ClinVar (database versions not stated): TOPMed 0.36955; gnomAD exomes 0.43593 and 0.38632; 1000 Genomes Project 0.30990; 1000 Genomes Project 30x 0.31137; gnomAD 0.37796 and 0.37987; ExAC 0.39035; ESP Exome Variant Server 0.39887.
gnomAD v4.1: 693,618 of 1,613,346 alleles (43%); highest among the groups gnomAD compares: Non-Finnish European, 46%; 153,277 homozygotes.

Submissions (3):

Labcorp Genetics (formerly Invitae), Labcorp
Classification: Benign. Last evaluated: 2026-02-04. Review status: criteria provided, single submitter. Criteria: Invitae Variant Classification Sherloc (09022015). Collection method: clinical testing. Allele origin: germline.

Breakthrough Genomics
Classification: Benign. Review status: criteria provided, single submitter. Criteria: ACMG Guidelines, 2015. Collection method: not provided. Allele origin: germline. Inheritance: Autosomal recessive inheritance. Affected: yes.

PreventionGenetics, part of Exact Sciences
Classification: Benign for LRRK1-related condition. Last evaluated: 2019-10-17. Review status: no assertion criteria provided. Collection method: clinical testing. Allele origin: germline. Not counted in ClinVar's aggregate classification.
Comment: This variant is classified as benign based on ACMG/AMP sequence variant interpretation guidelines (Richards et al. 2015 PMID: 25741868, with internal and published modifications).

NM_024652.6(LRRK1):c.4647C>T (p.Thr1549=)

Genes: LRRK1 (leucine rich repeat kinase 1; plus strand), LRRK1-AS1 (LRRK1 antisense RNA 1; minus strand). Cytogenetic location: 15q26.3.
Variant type: single nucleotide variant.
Coding change: c.4647C>T on transcript NM_024652.6 (MANE Select); coding-DNA position 4647, C replaced by T.
Protein change: p.Thr1549=; no amino-acid change (threonine 1549 retained).
Molecular consequence: synonymous variant.
Genome position (GRCh38, 1-based): chr15:101,058,109, C>T. VCF-style: chr15-101058109-C-T. GRCh37 (hg19) VCF-style: chr15-101598314-C-T.
Other names: c.4647C>T (NM_024652.5).
Identifiers: ClinVar variation 1545753 (VCV001545753.11), dbSNP rs11853661, ClinGen allele CA7761907.